The following is an entry in ClinVar:

NM_004415.4(DSP):c.1197C>G (p.Ile399Met)

Gene: DSP (desmoplakin; plus strand). Cytogenetic location: 6p24.3.
Variant type: single nucleotide variant.
Coding change: c.1197C>G on transcript NM_004415.4 (MANE Select); coding-DNA position 1197, C replaced by G.
Protein change: p.Ile399Met; replaces isoleucine 399 with methionine.
Molecular consequence: missense variant.
Genome position (GRCh38, 1-based): chr6:7,567,837, C>G. VCF-style: chr6-7567837-C-G. GRCh37 (hg19) VCF-style: chr6-7568070-C-G.
Other names: c.1197C>G, p.Ile399Met (NM_001008844.3, NM_001319034.2); c.1197C>G (NM_004415.3); short protein forms I399M.
Identifiers: ClinVar variation 922282 (VCV000922282.18), dbSNP rs375828592, ClinGen allele CA027192.
Genomic context (GRCh38, chr6:7,567,837, plus strand): 5'-ACAGTTTTTTGAAGAGGCGCAGTCTACTGAAGCATACCTGAAGGGGCTCCAGGACTCCAT[C>G]AGGAAGAAGTACCCCTGCGACAAGAACATGCCCCTGCAGCACCTGCTGGAACAGATCAAG-3'
Protein context (NP_004406.2, residues 389-409): EAYLKGLQDS[Ile399Met]RKKYPCDKNM

ClinVar aggregate classification (germline): Conflicting classifications of pathogenicity. Review status: criteria provided, conflicting classifications (1 of 4 stars). 5 submissions from 5 submitters: Uncertain significance (4); Likely benign (1). Last evaluated 2026-04-22.

Conditions:
Arrhythmogenic cardiomyopathy with wooly hair and keratoderma. Also called: PALMOPLANTAR KERATODERMA WITH LEFT VENTRICULAR CARDIOMYOPATHY AND WOOLLY HAIR; Carvajal syndrome; Dilated cardiomyopathy with woolly hair and keratoderma; Arrhythmogenic cardiomyopathy with woolly hair and keratoderma. Identifiers: Orphanet 65282, MedGen C1854063, MONDO:0011581, OMIM 605676.
Arrhythmogenic right ventricular dysplasia 8 (ARVD8). Also called: Arrhythmogenic Right Ventricular Dysplasia/Cardiomyopathy 8; ARRHYTHMOGENIC RIGHT VENTRICULAR CARDIOMYOPATHY 8; ARRHYTHMOGENIC RIGHT VENTRICULAR DYSPLASIA, FAMILIAL, 8. Identifiers: MedGen C1843896, MONDO:0011831, OMIM 607450.
Cardiomyopathy, dilated, with wooly hair, keratoderma, and tooth agenesis. Also called: Cardiomyopathy, dilated, with woolly hair, keratoderma, and tooth agenesis; Erythrokeratodermia-cardiomyopathy syndrome. Identifiers: Orphanet 476096, Orphanet 65282, MedGen C4014393, MONDO:0014355, OMIM 615821.
Keratosis palmoplantaris striata 2. Also called: KERATODERMA, PALMOPLANTAR, STRIATE FORM II; STRIATE PALMOPLANTAR KERATODERMA II; Keratosis palmoplantaris striata II. Identifiers: MedGen C1852127, MONDO:0013034, OMIM 612908.
Lethal acantholytic epidermolysis bullosa (EBLA). Identifiers: Orphanet 158687, MedGen C1864826, MONDO:0012323, OMIM 609638.
DSP-related disorder. Also called: DSP-related condition; DSP-related disorders.
Cardiomyopathy (CMYO). Also called: Cardiomyopathies. Identifiers: Orphanet 167848, MedGen C0878544, MONDO:0004994, HP:0001638. Inheritance: Various modes of inheritance.

Allele frequency attached by ClinVar (database versions not stated): gnomAD 0.00001; ExAC 0.00002; gnomAD exomes 0.00003; ESP Exome Variant Server 0.00015.

Submissions (5):

PreventionGenetics, part of Exact Sciences
Classification: Uncertain significance for DSP-related condition. Last evaluated: 2026-04-22. Review status: criteria provided, single submitter. Criteria: ACMG Guidelines, 2015. Collection method: clinical testing. Allele origin: germline.
Comment: The DSP c.1197C>G variant is predicted to result in the amino acid substitution p.Ile399Met. This variant has been reported as a variant of uncertain significance in an individual with dilated cardiomyopathy (Table S2, Horgan et al. 2025. PubMed ID: 39694818). This variant has also been reported in a cohort of individuals with arrhythmogenic right ventricular cardiomyopathy; however, it was not considered as a primary cause of disease in the study (Table S2, Bao et al. 2013. PubMed ID: 24125834). This variant is reported in 0.0062% of alleles in individuals of African descent in gnomAD. At this time, the clinical significance of this variant is uncertain due to the absence of conclusive functional and genetic evidence.

GeneDx
Classification: Uncertain significance. Last evaluated: 2026-02-24. Review status: criteria provided, single submitter. Criteria: GeneDx Variant Classification Process June 2021. Collection method: clinical testing. Allele origin: germline.
Comment: In silico analysis suggests that this missense variant does not alter protein structure/function; This variant is associated with the following publications: (PMID: 24125834)

Color Diagnostics, LLC DBA Color Health
Classification: Uncertain significance for Cardiomyopathy. Last evaluated: 2025-06-12. Review status: criteria provided, single submitter. Criteria: ACMG Guidelines, 2015. Collection method: clinical testing. Allele origin: germline.
Comment: This missense variant replaces isoleucine with methionine at codon 399 of the DSP protein. Computational prediction is inconclusive regarding the impact of this variant on protein structure and function. To our knowledge, functional studies have not been reported for this variant. This variant has been reported in three individuals affected with arrhythmogenic right ventricular cardiomyopathy (PMID: 24125834). This variant has been identified in 7/251198 chromosomes in the general population by the Genome Aggregation Database (gnomAD). The available evidence is insufficient to determine the role of this variant in disease conclusively. Therefore, this variant is classified as a Variant of Uncertain Significance.

Labcorp Genetics (formerly Invitae), Labcorp
Classification: Likely benign for Arrhythmogenic cardiomyopathy with wooly hair and keratoderma; Arrhythmogenic right ventricular dysplasia 8. Last evaluated: 2024-08-31. Review status: criteria provided, single submitter. Criteria: Invitae Variant Classification Sherloc (09022015). Collection method: clinical testing. Allele origin: germline.

Fulgent Genetics
Classification: Uncertain significance for Arrhythmogenic cardiomyopathy with wooly hair and keratoderma; Arrhythmogenic right ventricular dysplasia 8; Lethal acantholytic epidermolysis bullosa; Keratosis palmoplantaris striata 2; Cardiomyopathy, dilated, with wooly hair, keratoderma, and tooth agenesis. Last evaluated: 2024-05-31. Review status: criteria provided, single submitter. Criteria: ACMG Guidelines, 2015. Collection method: clinical testing. Allele origin: germline.

Literature cited by the submitters: PubMed 24125834 (cited by Color Diagnostics, LLC DBA Color Health).